The following is an entry in ClinVar:

NC_000013.10:g.(?_26043095)_(26273503_?)del

Gene: ATP8A2 (ATPase phospholipid transporting 8A2). Cytogenetic location: 13q12.13.
Variant type: Deletion.
Identifiers: ClinVar variation 3244221 (VCV003244221.1).

ClinVar aggregate classification (germline): Pathogenic (1 of 4 stars; one submission).

Submission:

Labcorp Genetics (formerly Invitae), Labcorp
Classification: Pathogenic. Last evaluated: 2023-12-04. Review status: criteria provided, single submitter. Criteria: Invitae Variant Classification Sherloc (09022015). Collection method: clinical testing. Allele origin: unknown.
Comment: This variant is a gross deletion of the genomic region encompassing exon(s) 2-25 of the ATP8A2 gene. This deletion is out-of-frame, and is expected to create a premature termination codon and result in an absent or disrupted protein product. Loss-of-function variants in ATP8A2 are known to be pathogenic (PMID: 28454995, 29531481). This variant has not been reported in the literature in individuals affected with ATP8A2-related conditions. For these reasons, this variant has been classified as Pathogenic.

Literature cited by the submitters: PubMed 28454995; PubMed 29531481.